The following is an entry in ClinVar:

NM_001355436.2(SPTB):c.6820-20C>T

Genes: PLEKHG3 (pleckstrin homology and RhoGEF domain containing G3; plus strand), SPTB (spectrin beta, erythrocytic; minus strand). Cytogenetic location: 14q23.3.
Variant type: single nucleotide variant.
Coding change: c.6820-20C>T on transcript NM_001355436.2 (MANE Select); 20 bases into the intron before coding-DNA position 6820, C replaced by T.
Molecular consequence: intron variant. On other transcripts: 3 prime UTR variant (1).
Genome position (GRCh38, 1-based): chr14:64,749,493, G>A on the plus strand (C>T on the coding strand, the complement: SPTB is on the minus strand). VCF-style: chr14-64749493-G-A. GRCh37 (hg19) VCF-style: chr14-65216211-G-A.
Other names: p.?; c.*5790G>A (NM_001308147.2); c.6820-20C>T (NM_001024858.4).
Identifiers: ClinVar variation 4683863 (VCV004683863.1).

ClinVar aggregate classification (germline): Likely benign (1 of 4 stars; one submission).

gnomAD v4.1: 49 of 1,597,958 alleles (0.0031%); highest among the groups gnomAD compares: Admixed American, 0.059%; no homozygotes.

Submission:

Mayo Clinic Laboratories, Mayo Clinic
Classification: Likely benign. Last evaluated: 2025-10-07. Review status: criteria provided, single submitter. Criteria: ACMG Guidelines, 2015. Collection method: clinical testing. Allele origin: germline. Observed: 1 variant allele.
Comment: BP4, BP7